The following is an entry in ClinVar:

NM_001365276.2(TNXB):c.3080del (p.Glu1027fs)

Gene: TNXB (tenascin XB; minus strand). Cytogenetic location: 6p21.33.
Variant type: Deletion.
Coding change: c.3080del on transcript NM_001365276.2 (MANE Select); coding-DNA position 3080, one base deleted (A; older notation c.3080delA).
Protein change: p.Glu1027fs; shifts the reading frame from glutamic acid 1027.
Molecular consequence: frameshift variant.
Genome position (GRCh38, 1-based): chr6:32,085,818, T deleted on the plus strand (A on the coding strand, the reverse complement: TNXB is on the minus strand). VCF-style (leftmost placement, unchanged base first): chr6-32085817-CT-C. GRCh37 (hg19) VCF-style: chr6-32053594-CT-C.
Other names: c.3821del, p.Glu1274fs (NM_001428335.1); c.3080del, p.Glu1027fs (NM_019105.8); short protein forms E1027fs, E1274fs.
Identifiers: ClinVar variation 5015398 (VCV005015398.1).
Genomic context (GRCh38, chr6:32,085,817, plus strand): 5'-GCCTTGGTAGATGATGGGGTCAGAGGGCTTGCCCCCAGGAGGGACCCCATGAAGTGACAG[CT>C]CATACGGGGTTCCAGGAGGGGGTGGAGGCACCAGAGCCTGGCGGACGTCCCCTGGCAGCA-3'

ClinVar aggregate classification (germline): Pathogenic (1 of 4 stars; one submission).

Conditions:
Ehlers-Danlos syndrome due to tenascin-X deficiency (EDSCLL1). Also called: EDS DUE TO TNX DEFICIENCY; TNX DEFICIENCY; Ehlers-Danlos syndrome, classic-like, 1; EHLERS-DANLOS SYNDROME, CLASSIC-LIKE; TNXB-Related Classical-Like Ehlers-Danlos Syndrome. Identifiers: Orphanet 230839, MedGen C1848029, MONDO:0011670, OMIM 606408.

Submission:

Myriad Genetics, Inc.
Classification: Pathogenic for Ehlers-Danlos syndrome due to tenascin-X deficiency. Last evaluated: 2026-01-07. Review status: criteria provided, single submitter. Criteria: Myriad Autosomal Dominant, Autosomal Recessive and X-Linked Classification Criteria (2023). Collection method: clinical testing. Allele origin: unknown.
Comment: NM_019105.6(TNXB):c.3080delA(E1027Gfs*42) is expected to be pathogenic in the context of classical-like Ehlers-Danlos syndrome, TNXB-related. This variant is predicted to lead to an abnormal or absent protein product due to the creation of a premature termination codon in TNXB, a gene where loss-of-function variants are known to be pathogenic. Please note: this variant was assessed in the context of healthy population screening.